The following is an entry in ClinVar:

NM_005989.4(AKR1D1):c.781C>G (p.Arg261Gly)

Gene: AKR1D1 (aldo-keto reductase family 1 member D1; plus strand). Cytogenetic location: 7q33.
Variant type: single nucleotide variant.
Coding change: c.781C>G on transcript NM_005989.4 (MANE Select); coding-DNA position 781, C replaced by G.
Protein change: p.Arg261Gly; replaces arginine 261 with glycine.
Molecular consequence: missense variant.
Genome position (GRCh38, 1-based): chr7:138,107,506, C>G. VCF-style: chr7-138107506-C-G. GRCh37 (hg19) VCF-style: chr7-137792252-C-G.
Other names: c.781C>G, p.Arg261Gly (NM_001190907.2); c.658C>G, p.Arg220Gly (NM_001190906.2); short protein forms R220G, R261G.
Identifiers: ClinVar variation 4536639 (VCV004536639.1).
Genomic context (GRCh38, chr7:138,107,506, plus strand): 5'-GATGCACTTCTAAACTCATTGGGGAAAAGGTACAATAAGACAGCAGCTCAAATTGTTTTG[C>G]GTTTCAACATCCAGCGAGGGGTGGTTGTCATTCCTAAAAGCTTTAATCTTGAAAGGATCA-3'
Protein context (NP_005980.1, residues 251-271): YNKTAAQIVL[Arg261Gly]FNIQRGVVVI

ClinVar aggregate classification (germline): Uncertain significance (1 of 4 stars; one submission).

Submission:

Women's Health and Genetics/Laboratory Corporation of America, LabCorp
Classification: Uncertain significance. Last evaluated: 2025-11-17. Review status: criteria provided, single submitter. Criteria: LabCorp Variant Classification Summary - May 2015. Collection method: clinical testing. Allele origin: germline.
Comment: Variant summary: AKR1D1 c.781C>G (p.Arg261Gly) results in a non-conservative amino acid change in the encoded protein sequence. Algorithms developed to predict the effect of missense changes on protein structure and function are either unavailable or do not agree on the potential impact of this missense change. The variant was absent in 251400 control chromosomes. The available data on variant occurrences in the general population are insufficient to allow any conclusion about variant significance. To our knowledge, no occurrence of c.781C>G in individuals affected with AKR1D1-related conditions and no experimental evidence demonstrating its impact on protein function have been reported. No submitters have cited clinical-significance assessments for this variant to ClinVar. Based on the evidence outlined above, the variant was classified as uncertain significance.